The following is an entry in ClinVar:

NM_000256.3(MYBPC3):c.2836G>A (p.Ala946Thr)

Gene: MYBPC3 (myosin binding protein C3; minus strand). Cytogenetic location: 11p11.2.
Variant type: single nucleotide variant.
Coding change: c.2836G>A on transcript NM_000256.3 (MANE Select); coding-DNA position 2836, G replaced by A.
Protein change: p.Ala946Thr; replaces alanine 946 with threonine.
Molecular consequence: missense variant.
Genome position (GRCh38, 1-based): chr11:47,335,111, C>T on the plus strand (G>A on the coding strand, the complement: MYBPC3 is on the minus strand). VCF-style: chr11-47335111-C-T. GRCh37 (hg19) VCF-style: chr11-47356662-C-T.
Other names: short protein forms A946T.
Identifiers: ClinVar variation 2181720 (VCV002181720.5), dbSNP rs2095880983, ClinGen allele CA380316332.
Genomic context (GRCh38, chr11:47,335,111, plus strand): 5'-CCTGCACTGTCACCGGCTCCGTGGTGGTAACAGGGGCTCCAGGCCCTGCCATATTGTGTG[C>T]CCGCACTCGGAAAAGCAGCCGGGCCCCCGTGGGCAGGTCCTTCACCAGTATCGATGTGTG-3'
Protein context (NP_000247.2, residues 936-956): TGARLLFRVR[Ala946Thr]HNMAGPGAPV

ClinVar aggregate classification (germline): Uncertain significance. Review status: criteria provided, multiple submitters, no conflicts (2 of 4 stars). 2 submissions from 2 submitters: Uncertain significance (2). Last evaluated 2024-02-22.

Conditions:
Hypertrophic cardiomyopathy. Also called: HYPERTROPHIC MYOCARDIOPATHY. Identifiers: Orphanet 217569, MedGen C0007194, MeSH D002312, MONDO:0005045, HP:0001639.

Allele frequency attached by ClinVar (database versions not stated): gnomAD exomes below 0.00001.
gnomAD v4.1: 3 of 1,611,962 alleles (0.00019%); highest among the groups gnomAD compares: Non-Finnish European, 0.00025%; no homozygotes.

Submissions (2):

All of Us Research Program, National Institutes of Health
Classification: Uncertain significance for Hypertrophic cardiomyopathy. Last evaluated: 2024-02-22. Review status: criteria provided, single submitter. Criteria: ACMG Guidelines, 2015. Collection method: clinical testing. Allele origin: germline. Inheritance: Autosomal dominant inheritance. Observed: 1 variant allele, 1 heterozygote.
Comment: This missense variant replaces alanine with threonine at codon 946 of the MYBPC3 protein. Computational prediction suggests that this variant may have deleterious impact on protein structure and function (internally defined REVEL score threshold >= 0.7, PMID: 27666373). To our knowledge, functional studies have not been reported for this variant. This variant has not been reported in individuals affected with MYBPC3-related disorders in the literature. This variant has not been identified in the general population by the Genome Aggregation Database (gnomAD). The available evidence is insufficient to determine the role of this variant in disease conclusively. Therefore, this variant is classified as a Variant of Uncertain Significance.

This study involves interpretation of variants in research participants for the purpose of population health screening. Participant phenotype was not available at the time of variant classification. Additional details can be found in publication PMID: 35346344, PMCID: PMC8962531

Labcorp Genetics (formerly Invitae), Labcorp
Classification: Uncertain significance for Hypertrophic cardiomyopathy. Last evaluated: 2022-03-26. Review status: criteria provided, single submitter. Criteria: Invitae Variant Classification Sherloc (09022015). Collection method: clinical testing. Allele origin: germline.
Comment: Algorithms developed to predict the effect of missense changes on protein structure and function (SIFT, PolyPhen-2, Align-GVGD) all suggest that this variant is likely to be disruptive. This variant has not been reported in the literature in individuals affected with MYBPC3-related conditions. This variant is not present in population databases (gnomAD no frequency). This sequence change replaces alanine, which is neutral and non-polar, with threonine, which is neutral and polar, at codon 946 of the MYBPC3 protein (p.Ala946Thr). In summary, the available evidence is currently insufficient to determine the role of this variant in disease. Therefore, it has been classified as a Variant of Uncertain Significance.